The following is an entry in ClinVar:

NM_005219.5(DIAPH1):c.1753G>C (p.Ala585Pro)

Gene: DIAPH1 (diaphanous related formin 1; minus strand). Cytogenetic location: 5q31.3.
Variant type: single nucleotide variant.
Coding change: c.1753G>C on transcript NM_005219.5 (MANE Select); coding-DNA position 1753, G replaced by C.
Protein change: p.Ala585Pro; replaces alanine 585 with proline.
Molecular consequence: missense variant.
Genome position (GRCh38, 1-based): chr5:141,574,097, C>G on the plus strand (G>C on the coding strand, the complement: DIAPH1 is on the minus strand). VCF-style: chr5-141574097-C-G. GRCh37 (hg19) VCF-style: chr5-140953664-C-G.
Other names: c.1726G>C, p.Ala576Pro (NM_001079812.3); c.1753G>C, p.Ala585Pro (NM_001314007.2); short protein forms A576P, A585P.
Identifiers: ClinVar variation 651087 (VCV000651087.9), dbSNP rs200973081, ClinGen allele CA3479218.

ClinVar aggregate classification (germline): Uncertain significance (1 of 4 stars; one submission).

Conditions:
Autosomal dominant nonsyndromic hearing loss 1. Also called: KONIGSMARK SYNDROME; DEAFNESS, AUTOSOMAL DOMINANT 1, WITH OR WITHOUT THROMBOCYTOPENIA. Identifiers: Orphanet 90635, MedGen C1852282, MONDO:0007424, OMIM 124900.
Progressive microcephaly-seizures-cortical blindness-developmental delay syndrome. Also called: Seizures, cortical blindness, and microcephaly syndrome. Identifiers: Orphanet 477814, MedGen C5567650, MONDO:0014714, OMIM 616632.

Allele frequency attached by ClinVar (database versions not stated): TOPMed 0.00003; ExAC 0.00005; gnomAD 0.00005 and 0.00007; gnomAD exomes 0.00006; 1000 Genomes Project 0.00040; 1000 Genomes Project 30x 0.00047.
gnomAD v4.1: 19 of 1,613,422 alleles (0.0012%); highest among the groups gnomAD compares: East Asian, 0.04%; no homozygotes.

Submission:

Labcorp Genetics (formerly Invitae), Labcorp
Classification: Uncertain significance for Progressive microcephaly-seizures-cortical blindness-developmental delay syndrome; Autosomal dominant nonsyndromic hearing loss 1. Last evaluated: 2025-04-16. Review status: criteria provided, single submitter. Criteria: Invitae Variant Classification Sherloc (09022015). Collection method: clinical testing. Allele origin: germline.
Comment: This sequence change replaces alanine, which is neutral and non-polar, with proline, which is neutral and non-polar, at codon 585 of the DIAPH1 protein (p.Ala585Pro). This variant is present in population databases (rs200973081, gnomAD 0.1%). This variant has not been reported in the literature in individuals affected with DIAPH1-related conditions. ClinVar contains an entry for this variant (Variation ID: 651087). Experimental studies and prediction algorithms are not available or were not evaluated, and the functional significance of this variant is currently unknown. In summary, the available evidence is currently insufficient to determine the role of this variant in disease. Therefore, it has been classified as a Variant of Uncertain Significance.